The following is an entry in ClinVar:

ClinVar aggregate classification (germline): Benign/Likely benign. Review status: criteria provided, multiple submitters, no conflicts (2 of 4 stars). 5 submissions from 5 submitters: Benign (2); Likely benign (2). 1 of the submissions does not count toward it. Last evaluated 2025-12-16.

Conditions:
ASXL1-related disorder. Also called: ASXL1-related disorders; ASXL1-related condition.
Inborn genetic diseases. Identifiers: MedGen C0950123, MeSH D030342.
Bohring-Opitz syndrome. Also called: OPITZ TRIGONOCEPHALY-LIKE SYNDROME; C-LIKE SYNDROME; BOHRING SYNDROME; ASXL1-Related Bohring-Opitz Syndrome. Identifiers: Orphanet 97297, MedGen C0796232, MONDO:0011510, OMIM 605039.

Allele frequency attached by ClinVar (database versions not stated): gnomAD exomes 0.00004 and 0.00009; ExAC 0.00015; gnomAD 0.00041 and 0.00042; TOPMed 0.00045; 1000 Genomes Project 30x 0.00047; 1000 Genomes Project 0.00060.
gnomAD v4.1: 132 of 1,607,612 alleles (0.0082%); highest among the groups gnomAD compares: African/African-American, 0.14%; no homozygotes.

Submissions (5):

Labcorp Genetics (formerly Invitae), Labcorp
Classification: Benign. Last evaluated: 2025-12-16. Review status: criteria provided, single submitter. Criteria: Invitae Variant Classification Sherloc (09022015). Collection method: clinical testing. Allele origin: germline.

Ambry Genetics
Classification: Likely benign for Inborn genetic diseases. Last evaluated: 2024-11-23. Review status: criteria provided, single submitter. Criteria: Ambry Variant Classification Scheme 2023. Collection method: clinical testing. Allele origin: germline.

Genome-Nilou Lab
Classification: Benign for Bohring-Opitz syndrome. Last evaluated: 2021-12-05. Review status: criteria provided, single submitter. Criteria: ACMG Guidelines, 2015. Collection method: clinical testing. Allele origin: germline. Affected: no.

GeneDx
Classification: Likely benign. Last evaluated: 2020-12-15. Review status: criteria provided, single submitter. Criteria: GeneDx Variant Classification Process June 2021. Collection method: clinical testing. Allele origin: germline. Affected: yes.
Comment: This variant is associated with the following publications: (PMID: 28928972)

PreventionGenetics, part of Exact Sciences
Classification: Likely benign for ASXL1-related condition. Last evaluated: 2022-01-13. Review status: no assertion criteria provided. Collection method: clinical testing. Allele origin: germline. Not counted in ClinVar's aggregate classification.
Comment: This variant is classified as likely benign based on ACMG/AMP sequence variant interpretation guidelines (Richards et al. 2015 PMID: 25741868, with internal and published modifications).

NM_015338.6(ASXL1):c.1923C>T (p.Ile641=)

Gene: ASXL1 (ASXL transcriptional regulator 1; plus strand). Cytogenetic location: 20q11.21.
Variant type: single nucleotide variant.
Coding change: c.1923C>T on transcript NM_015338.6 (MANE Select); coding-DNA position 1923, C replaced by T.
Protein change: p.Ile641=; no amino-acid change (isoleucine 641 retained).
Molecular consequence: synonymous variant.
Genome position (GRCh38, 1-based): chr20:32,434,635, C>T. VCF-style: chr20-32434635-C-T. GRCh37 (hg19) VCF-style: chr20-31022438-C-T.
Other names: c.1740C>T, p.Ile580= (NM_001363734.1).
Identifiers: ClinVar variation 738136 (VCV000738136.15), dbSNP rs551524526, ClinGen allele CA9808488.
Genomic context (GRCh38, chr20:32,434,635, plus strand): 5'-TCTGCAGGTCCGAGGGGCGAGAGGTCACCACTGCCATAGAGAGGCGGCCACCACTGCCAT[C>T]GGAGGGGGGGGTGGCCCGGGTGGAGGTGGCGGCGGGGCCACCGATGAGGGAGGTGGCAGA-3'
Protein context (NP_056153.2, residues 631-651): HCHREAATTA[Ile641=]GGGGGPGGGG